The following is an entry in ClinVar:

ClinVar aggregate classification (germline): Uncertain significance (1 of 4 stars; one submission).

Conditions:
Charcot-Marie-Tooth disease type 4. Also called: Charcot-Marie-Tooth, Type 4; Charcot-Marie-Tooth disease, type IV. Identifiers: Orphanet 64749, MedGen C4082197, MONDO:0018995.

Allele frequency attached by ClinVar (database versions not stated): gnomAD 0.00002; gnomAD exomes below 0.00001; TOPMed 0.00003.
gnomAD v4.1: 4 of 1,614,042 alleles (0.00025%); highest among the groups gnomAD compares: Admixed American, 0.005%; no homozygotes.

Submission:

Labcorp Genetics (formerly Invitae), Labcorp
Classification: Uncertain significance for Charcot-Marie-Tooth disease type 4. Last evaluated: 2021-08-24. Review status: criteria provided, single submitter. Criteria: Invitae Variant Classification Sherloc (09022015). Collection method: clinical testing. Allele origin: germline.
Comment: This sequence change falls in intron 10 of the SH3TC2 gene. It does not directly change the encoded amino acid sequence of the SH3TC2 protein. It affects a nucleotide within the consensus splice site of the intron. This variant is not present in population databases (ExAC no frequency). This variant has not been reported in the literature in individuals affected with SH3TC2-related conditions. Variants that disrupt the consensus splice site are a relatively common cause of aberrant splicing (PMID: 17576681, 9536098). Algorithms developed to predict the effect of sequence changes on RNA splicing suggest that this variant is not likely to affect RNA splicing. In summary, the available evidence is currently insufficient to determine the role of this variant in disease. Therefore, it has been classified as a Variant of Uncertain Significance.

Literature cited by the submitters: PubMed 17576681; PubMed 9536098.

NM_024577.4(SH3TC2):c.1178-3C>T

Gene: SH3TC2 (SH3 domain and tetratricopeptide repeats 2; minus strand). Cytogenetic location: 5q32.
Variant type: single nucleotide variant.
Coding change: c.1178-3C>T on transcript NM_024577.4 (MANE Select); 3 bases into the intron before coding-DNA position 1178, C replaced by T.
Molecular consequence: intron variant.
Genome position (GRCh38, 1-based): chr5:149,028,557, G>A on the plus strand (C>T on the coding strand, the complement: SH3TC2 is on the minus strand). VCF-style: chr5-149028557-G-A. GRCh37 (hg19) VCF-style: chr5-148408120-G-A.
Identifiers: ClinVar variation 948542 (VCV000948542.7), dbSNP rs1380474010, ClinGen allele CA563955038.